The following is an entry in ClinVar:

NM_002439.5(MSH3):c.2582dup (p.Asn861fs)

Gene: MSH3 (mutS homolog 3; plus strand). Cytogenetic location: 5q14.1.
Variant type: Duplication.
Coding change: c.2582dup on transcript NM_002439.5 (MANE Select); coding-DNA position 2582, one base duplicated (A; older notation c.2582dupA).
Protein change: p.Asn861fs; shifts the reading frame from asparagine 861.
Molecular consequence: frameshift variant.
Genome position (GRCh38, 1-based): chr5:80,792,771, A duplicated; the last of 6 consecutive A bases (chr5:80,792,766-80,792,771); duplicating any one gives the same sequence. VCF-style (leftmost placement, unchanged base first): chr5-80792765-T-TA. GRCh37 (hg19) VCF-style: chr5-80088584-T-TA.
Other names: short protein forms N861fs.
Identifiers: ClinVar variation 2451048 (VCV002451048.2), dbSNP rs2546786762, ClinGen allele CA2580073599.
Genomic context (GRCh38, chr5:80,792,765, plus strand): 5'-TAAATTGAAACATATTTCTTTTTTGCAGACCAACTGTACAAGAAGAAAGAAAAATTGTAA[T>TA]AAAAAATGGAAGGCACCCTGTGATTGATGTGTTGCTGGGAGAACAGGATCAATATGTCCC-3'

ClinVar aggregate classification (germline): Pathogenic (1 of 4 stars; one submission).

Conditions:
Hereditary cancer-predisposing syndrome. Also called: Neoplastic Syndromes, Hereditary; Tumor predisposition; Hereditary neoplastic syndrome; Hereditary Cancer Syndrome. Identifiers: Orphanet 140162, MedGen C0027672, MeSH D009386, MONDO:0015356.

Submission:

Ambry Genetics
Classification: Pathogenic for Hereditary cancer-predisposing syndrome. Last evaluated: 2022-12-16. Review status: criteria provided, single submitter. Criteria: Ambry Variant Classification Scheme 2023. Collection method: clinical testing. Allele origin: germline.
Comment: The c.2582dupA pathogenic mutation, located in coding exon 19 of the MSH3 gene, results from a duplication of A at nucleotide position 2582, causing a translational frameshift with a predicted alternate stop codon (p.N861Kfs*8). This variant is considered to be rare based on population cohorts in the Genome Aggregation Database (gnomAD). This alteration is expected to result in loss of function by premature protein truncation or nonsense-mediated mRNA decay. As such, this alteration is interpreted as a disease-causing mutation.